The following is an entry in ClinVar:

ClinVar aggregate classification (germline): Likely benign (1 of 4 stars; one submission).

gnomAD v4.1: 2,153 of 1,611,870 alleles (0.13%); highest among the groups gnomAD compares: Non-Finnish European, 0.17%; 5 homozygotes.

Submission:

CeGaT Center for Human Genetics Tuebingen
Classification: Likely benign. Last evaluated: 2024-11-01. Review status: criteria provided, single submitter. Criteria: CeGaT Center For Human Genetics Tuebingen Variant Classification Criteria Version 2. Collection method: clinical testing. Allele origin: germline. Affected: yes. Observed: 1 variant allele.
Comment: NLRP1: BS1

NM_033004.4(NLRP1):c.2699+24G>A

Gene: NLRP1 (NLR family pyrin domain containing 1; minus strand). Cytogenetic location: 17p13.2.
Variant type: single nucleotide variant.
Coding change: c.2699+24G>A on transcript NM_033004.4 (MANE Select); 24 bases into the intron after coding-DNA position 2699, G replaced by A.
Molecular consequence: intron variant.
Genome position (GRCh38, 1-based): chr17:5,541,833, C>T on the plus strand (G>A on the coding strand, the complement: NLRP1 is on the minus strand). VCF-style: chr17-5541833-C-T. GRCh37 (hg19) VCF-style: chr17-5445153-C-T.
Other names: c.2699+24G>A (NM_001033053.3, NM_033007.4, NM_033006.4 and 1 more transcripts).
Identifiers: ClinVar variation 3388055 (VCV003388055.14).